The following is an entry in ClinVar:

NR_003051.4(RMRP):n.246G>C

Gene: RMRP (RNA component of mitochondrial RNA processing endoribonuclease; minus strand). Cytogenetic location: 9p13.3.
Variant type: single nucleotide variant.
Molecular consequence: non-coding transcript variant (on NR_003051.4).
Genome position: GRCh38 VCF-style: chr9-35657774-C-G. GRCh37 (hg19) VCF-style: chr9-35657771-C-G.
Identifiers: ClinVar variation 3069137 (VCV003069137.3).

ClinVar aggregate classification (germline): Conflicting classifications of pathogenicity. Review status: criteria provided, conflicting classifications (1 of 4 stars). 2 submissions from 2 submitters: Pathogenic (1); Uncertain significance (1). Last evaluated 2024-08-07.

Conditions:
Anauxetic dysplasia. Identifiers: Orphanet 93347, MedGen C1846796, MONDO:0011773.
Metaphyseal chondrodysplasia, McKusick type (CHH). Also called: Cartilage-hair hypoplasia; Cartilage-Hair Hypoplasia (CHH). Identifiers: Orphanet 175, MedGen C0220748, MONDO:0009595, OMIM 250250.

Submissions (2):

Labcorp Genetics (formerly Invitae), Labcorp
Classification: Uncertain significance for Anauxetic dysplasia. Last evaluated: 2024-08-07. Review status: criteria provided, single submitter. Criteria: Invitae Variant Classification Sherloc (09022015). Collection method: clinical testing. Allele origin: germline.
Comment: This variant occurs in the RMRP gene, which encodes an RNA molecule that does not result in a protein product. This variant is not present in population databases (gnomAD no frequency). This variant has not been reported in the literature in individuals affected with RMRP-related conditions. In summary, the available evidence is currently insufficient to determine the role of this variant in disease. Therefore, it has been classified as a Variant of Uncertain Significance.

Laboratorio de Biologia Molecular/Medicina Genomica - IFF/Fiocruz, Instituto Fernandes Figueira, Fundacao Oswaldo Cruz
Classification: Pathogenic for Metaphyseal chondrodysplasia, McKusick type. Last evaluated: 2024-01-25. Review status: criteria provided, single submitter. Criteria: ACMG Guidelines, 2015. Collection method: clinical testing. Allele origin: germline. Affected: yes. Observed: 1 variant allele.
Comment: This alteration is located within the transcribed region of the RMRP gene, which encodes an untranslated RNA. This variant is not present in population databases (gnomAD). Other variants in this region have been reported in individuals affected with cartilage-hair hypoplasia-anauxetic dysplasia spectrum disorders (PMID: 11207361, 21956908, 21396580). For these reasons, this variant has been classified as Pathogenic.

Literature cited by the submitters: PubMed 32021596 (cited by Laboratorio de Biologia Molecular/Medicina Genomica - IFF/Fiocruz, Instituto Fernandes Figueira, Fundacao Oswaldo Cruz).